The following is an entry in ClinVar:

ClinVar aggregate classification (germline): Benign/Likely benign. Review status: criteria provided, multiple submitters, no conflicts (2 of 4 stars). 4 submissions from 3 submitters: Benign (2); Likely benign (2). Last evaluated 2022-12-01.

Conditions:
Autosomal recessive Robinow syndrome (RRS1). Also called: ROBINOW SYNDROME, AUTOSOMAL RECESSIVE 1; COSTOVERTEBRAL SEGMENTATION DEFECT WITH MESOMELIA; COVESDEM SYNDROME; ROR2-Related Robinow Syndrome. Identifiers: Orphanet 1507, Orphanet 97360, MedGen C5399974, MONDO:0009999, OMIM 268310.
Brachydactyly type B1 (BDB1). Identifiers: Orphanet 572385, Orphanet 93383, MedGen C1862112, MONDO:0007220, OMIM 113000.

Allele frequency attached by ClinVar (database versions not stated): 1000 Genomes Project 0.00240; 1000 Genomes Project 30x 0.00453; TOPMed 0.00814; gnomAD 0.00854 and 0.00898; gnomAD exomes 0.01144.
gnomAD v4.1: 5,848 of 552,866 alleles (1.1%); highest among the groups gnomAD compares: Non-Finnish European, 1.3%; 51 homozygotes.

Submissions (4):

CeGaT Center for Human Genetics Tuebingen
Classification: Benign. Last evaluated: 2022-12-01. Review status: criteria provided, single submitter. Criteria: CeGaT Center For Human Genetics Tuebingen Variant Classification Criteria Version 2. Collection method: clinical testing. Allele origin: germline. Affected: yes. Observed: 1 variant allele.
Comment: ROR2: BS1, BS2

GeneDx
Classification: Likely benign. Last evaluated: 2019-08-04. Review status: criteria provided, single submitter. Criteria: GeneDx Variant Classification Process June 2021. Collection method: clinical testing. Allele origin: germline. Affected: yes.

Illumina Laboratory Services, Illumina
Classification: Benign for Brachydactyly type B1. Last evaluated: 2018-01-13. Review status: criteria provided, single submitter. Criteria: ICSL Variant Classification Criteria 13 December 2019. Collection method: clinical testing. Allele origin: germline.
Comment: This variant was observed in the ICSL laboratory as part of a predisposition screen in an ostensibly healthy population. It had not been previously curated by ICSL or reported in the Human Gene Mutation Database (HGMD: prior to June 1st, 2018), and was therefore a candidate for classification through an automated scoring system. Utilizing variant allele frequency, disease prevalence and penetrance estimates, and inheritance mode, an automated score was calculated to assess if this variant is too frequent to cause the disease. Based on the score and internal cut-off values, a variant classified as benign is not then subjected to further curation. The score for this variant resulted in a classification of benign for this disease.

Illumina Laboratory Services, Illumina
Classification: Likely benign for Autosomal recessive Robinow syndrome. Last evaluated: 2018-01-13. Review status: criteria provided, single submitter. Criteria: ICSL Variant Classification Criteria 13 December 2019. Collection method: clinical testing. Allele origin: germline.
Comment: This variant was observed in the ICSL laboratory as part of a predisposition screen in an ostensibly healthy population. It had not been previously curated by ICSL or reported in the Human Gene Mutation Database (HGMD: prior to June 1st, 2018), and was therefore a candidate for classification through an automated scoring system. Utilizing variant allele frequency, disease prevalence and penetrance estimates, and inheritance mode, an automated score was calculated to assess if this variant is too frequent to cause the disease. Based on the score and internal cut-off values, a variant classified as likely benign is not then subjected to further curation. The score for this variant resulted in a classification of likely benign for this disease.

NM_004560.4(ROR2):c.-91G>A

Gene: ROR2 (ROR family WNT receptor 2; minus strand). Cytogenetic location: 9q22.31.
Variant type: single nucleotide variant.
Coding change: c.-91G>A on transcript NM_004560.4 (MANE Select); 91 bases upstream of the start codon, G replaced by A.
Molecular consequence: 5 prime UTR variant.
Genome position (GRCh38, 1-based): chr9:91,950,054, C>T on the plus strand (G>A on the coding strand, the complement: ROR2 is on the minus strand). VCF-style: chr9-91950054-C-T. GRCh37 (hg19) VCF-style: chr9-94712336-C-T.
Other names: c.-91G>A (NM_001318204.2).
Identifiers: ClinVar variation 367521 (VCV000367521.31), dbSNP rs141262722, ClinGen allele CA10634109.